The following is an entry in ClinVar:

NM_005732.4(RAD50):c.2999A>T (p.Asp1000Val)

Gene: RAD50 (RAD50 double strand break repair protein; plus strand). Cytogenetic location: 5q31.1.
Variant type: single nucleotide variant.
Coding change: c.2999A>T on transcript NM_005732.4 (MANE Select); coding-DNA position 2999, A replaced by T.
Protein change: p.Asp1000Val; replaces aspartic acid 1000 with valine.
Molecular consequence: missense variant.
Genome position (GRCh38, 1-based): chr5:132,609,359, A>T. VCF-style: chr5-132609359-A-T. GRCh37 (hg19) VCF-style: chr5-131945051-A-T.
Other names: short protein forms D1000V.
Identifiers: ClinVar variation 2827762 (VCV002827762.3), dbSNP rs1186188551, ClinGen allele CA360960821.

ClinVar aggregate classification (germline): Uncertain significance (1 of 4 stars; one submission).

Conditions:
Hereditary cancer-predisposing syndrome. Also called: Neoplastic Syndromes, Hereditary; Hereditary neoplastic syndrome; Tumor predisposition; Hereditary Cancer Syndrome. Identifiers: Orphanet 140162, MedGen C0027672, MeSH D009386, MONDO:0015356.

Submission:

Labcorp Genetics (formerly Invitae), Labcorp
Classification: Uncertain significance for Hereditary cancer-predisposing syndrome. Last evaluated: 2023-01-11. Review status: criteria provided, single submitter. Criteria: Invitae Variant Classification Sherloc (09022015). Collection method: clinical testing. Allele origin: germline.
Comment: In summary, the available evidence is currently insufficient to determine the role of this variant in disease. Therefore, it has been classified as a Variant of Uncertain Significance. Advanced modeling of protein sequence and biophysical properties (such as structural, functional, and spatial information, amino acid conservation, physicochemical variation, residue mobility, and thermodynamic stability) performed at Invitae indicates that this missense variant is not expected to disrupt RAD50 protein function. This variant has not been reported in the literature in individuals affected with RAD50-related conditions. This variant is present in population databases (no rsID available, gnomAD 0.0009%). This sequence change replaces aspartic acid, which is acidic and polar, with valine, which is neutral and non-polar, at codon 1000 of the RAD50 protein (p.Asp1000Val).